The following is an entry in ClinVar:

ClinVar aggregate classification (germline): Uncertain significance (1 of 4 stars; one submission).

Conditions:
Orthostatic hypotension 1 (ORTHYP1). Also called: Dopamine beta-hydroxylase deficiency; Orthostatic hypotension 1, due to DBH deficiency; NORADRENALINE DEFICIENCY; NOREPINEPHRINE DEFICIENCY. Identifiers: Orphanet 230, MedGen C4746777, MONDO:0009123, OMIM 223360.

Allele frequency attached by ClinVar (database versions not stated): gnomAD exomes below 0.00001.
gnomAD v4.1: 2 of 1,612,786 alleles (0.00012%); highest among the groups gnomAD compares: South Asian, 0.0022%; no homozygotes.

Submission:

Labcorp Genetics (formerly Invitae), Labcorp
Classification: Uncertain significance for Orthostatic hypotension 1. Last evaluated: 2024-02-23. Review status: criteria provided, single submitter. Criteria: Invitae Variant Classification Sherloc (09022015). Collection method: clinical testing. Allele origin: germline.
Comment: This sequence change replaces proline, which is neutral and non-polar, with leucine, which is neutral and non-polar, at codon 127 of the DBH protein (p.Pro127Leu). This variant is not present in population databases (gnomAD no frequency). This variant has not been reported in the literature in individuals affected with DBH-related conditions. ClinVar contains an entry for this variant (Variation ID: 574917). Advanced modeling of protein sequence and biophysical properties (such as structural, functional, and spatial information, amino acid conservation, physicochemical variation, residue mobility, and thermodynamic stability) performed at Invitae indicates that this missense variant is not expected to disrupt DBH protein function with a negative predictive value of 80%. In summary, the available evidence is currently insufficient to determine the role of this variant in disease. Therefore, it has been classified as a Variant of Uncertain Significance.

NM_000787.4(DBH):c.380C>T (p.Pro127Leu)

Gene: DBH (dopamine beta-hydroxylase; plus strand). Cytogenetic location: 9q34.2.
Variant type: single nucleotide variant.
Coding change: c.380C>T on transcript NM_000787.4 (MANE Select); coding-DNA position 380, C replaced by T.
Protein change: p.Pro127Leu; replaces proline 127 with leucine.
Molecular consequence: missense variant.
Genome position (GRCh38, 1-based): chr9:133,639,886, C>T. VCF-style: chr9-133639886-C-T. GRCh37 (hg19) VCF-style: chr9-136505008-C-T.
Other names: short protein forms P127L.
Identifiers: ClinVar variation 574917 (VCV000574917.11), dbSNP rs1564208129, ClinGen allele CA375409378.